The following is an entry in ClinVar:

ClinVar aggregate classification (germline): Uncertain significance. Review status: criteria provided, multiple submitters, no conflicts (2 of 4 stars). 2 submissions from 2 submitters: Uncertain significance (2). Last evaluated 2024-09-29.

Conditions:
Combined immunodeficiency due to ORAI1 deficiency. Also called: IMMUNODEFICIENCY 9. Identifiers: Orphanet 169090, Orphanet 317428, MedGen C2748568, MONDO:0013007, OMIM 612782.
Myopathy, tubular aggregate, 2 (TAM2). Identifiers: MedGen C4014557, MONDO:0014383, OMIM 615883.

Submissions (2):

Labcorp Genetics (formerly Invitae), Labcorp
Classification: Uncertain significance for Myopathy, tubular aggregate, 2; Combined immunodeficiency due to ORAI1 deficiency. Last evaluated: 2024-09-29. Review status: criteria provided, single submitter. Criteria: Invitae Variant Classification Sherloc (09022015). Collection method: clinical testing. Allele origin: germline.
Comment: This sequence change creates a premature translational stop signal (p.Ser59Leufs*28) in the ORAI1 gene. However, it is currently unclear if variants that occur in this region of the gene cause disease. This variant is present in population databases (no rsID available, gnomAD 0.0009%). This variant has not been reported in the literature in individuals affected with ORAI1-related conditions. ClinVar contains an entry for this variant (Variation ID: 1984078). Experimental studies and prediction algorithms are not available or were not evaluated, and the functional significance of this variant is currently unknown. In summary, the available evidence is currently insufficient to determine the role of this variant in disease. Therefore, it has been classified as a Variant of Uncertain Significance.

Blueprint Genetics
Classification: Uncertain significance. Last evaluated: 2024-05-15. Review status: criteria provided, single submitter. Criteria: ACMG Guidelines, 2015. Collection method: clinical testing. Allele origin: germline.

NM_032790.4(ORAI1):c.173_174AG[1] (p.Ser59Leufs)

Genes: ORAI1 (ORAI calcium release-activated calcium modulator 1; plus strand), LOC130008987 (ATAC-STARR-seq lymphoblastoid silent region 4981; plus strand). Cytogenetic location: 12q24.31.
Variant type: Microsatellite.
Coding change: c.173_174AG[1] on transcript NM_032790.4 (MANE Select).
Protein change: p.Ser59Leufs; shifts the reading frame from serine 59.
Genome position: GRCh38 VCF-style: chr12-121626919-CAG-C. GRCh37 (hg19) VCF-style: chr12-122064825-CAG-C.
Other names: short protein forms S59fs.
Identifiers: ClinVar variation 1984078 (VCV001984078.5), dbSNP rs1251505454, ClinGen allele CA684498652.